The following is an entry in ClinVar:

ClinVar aggregate classification (germline): Uncertain significance (1 of 4 stars; one submission).

Conditions:
Candidiasis, familial, 9 (CANDF9). Identifiers: Orphanet 1334, MedGen C4225324, MONDO:0014642, OMIM 616445.

Submission:

Labcorp Genetics (formerly Invitae), Labcorp
Classification: Uncertain significance for Candidiasis, familial, 9. Last evaluated: 2018-09-19. Review status: criteria provided, single submitter. Criteria: Invitae Variant Classification Sherloc (09022015). Collection method: clinical testing. Allele origin: germline.
Comment: This sequence change replaces asparagine with threonine at codon 357 of the IL17RC protein (p.Asn357Thr). The asparagine residue is weakly conserved and there is a small physicochemical difference between asparagine and threonine. This variant is not present in population databases (ExAC no frequency). This variant has not been reported in the literature in individuals with IL17RC-related disease. Algorithms developed to predict the effect of missense changes on protein structure and function (SIFT, PolyPhen-2, Align-GVGD) all suggest that this variant is likely to be tolerated, but these predictions have not been confirmed by published functional studies and their clinical significance is uncertain. In summary, the available evidence is currently insufficient to determine the role of this variant in disease. Therefore, it has been classified as a Variant of Uncertain Significance.

NM_153460.4(IL17RC):c.857A>C (p.Asn286Thr)

Gene: IL17RC (interleukin 17 receptor C; plus strand). Cytogenetic location: 3p25.3.
Variant type: single nucleotide variant.
Coding change: c.857A>C on transcript NM_153460.4 (MANE Select); coding-DNA position 857, A replaced by C.
Protein change: p.Asn286Thr; replaces asparagine 286 with threonine.
Molecular consequence: missense variant. On other transcripts: non-coding transcript variant (1).
Genome position (GRCh38, 1-based): chr3:9,928,200, A>C. VCF-style: chr3-9928200-A-C. GRCh37 (hg19) VCF-style: chr3-9969884-A-C.
Other names: c.857A>C, p.Asn286Thr (NM_001203263.2, NM_001203264.2); c.812A>C, p.Asn271Thr (NM_001203265.2, NM_001367280.1, NM_032732.6); c.818A>C, p.Asn273Thr (NM_001367278.1); c.737A>C, p.Asn246Thr (NM_001367279.1); c.1070A>C, p.Asn357Thr (NM_153461.4); short protein forms N246T, N271T, N286T, N273T, N357T.
Identifiers: ClinVar variation 652841 (VCV000652841.5), dbSNP rs1575582881, ClinGen allele CA351760947.